The following is an entry in ClinVar:

ClinVar aggregate classification (germline): Uncertain significance (1 of 4 stars; one submission).

Conditions:
RPGRIP1L-related disorder. Also called: RPGRIP1L-related condition; RPGRIP1L-related disorders. Identifiers: MedGen CN239416.

Submission:

PreventionGenetics, part of Exact Sciences
Classification: Uncertain significance for RPGRIP1L-related condition. Last evaluated: 2025-10-31. Review status: criteria provided, single submitter. Criteria: ACMG Guidelines, 2015. Collection method: clinical testing. Allele origin: germline.
Comment: The RPGRIP1L c.1948G>C variant is predicted to result in the amino acid substitution p.Gly650Arg. To our knowledge, this variant has not been reported in the literature or in a large population database (gnomAD), indicating this variant is rare. At this time, the clinical significance of this variant is uncertain due to the absence of conclusive functional and genetic evidence.

NM_015272.5(RPGRIP1L):c.1948G>C (p.Gly650Arg)

Gene: RPGRIP1L (RPGRIP1 like; minus strand). Cytogenetic location: 16q12.2.
Variant type: single nucleotide variant.
Coding change: c.1948G>C on transcript NM_015272.5 (MANE Select); coding-DNA position 1948, G replaced by C.
Protein change: p.Gly650Arg; replaces glycine 650 with arginine.
Molecular consequence: missense variant.
Genome position (GRCh38, 1-based): chr16:53,652,739, C>G on the plus strand (G>C on the coding strand, the complement: RPGRIP1L is on the minus strand). VCF-style: chr16-53652739-C-G. GRCh37 (hg19) VCF-style: chr16-53686651-C-G.
Other names: c.1948G>C, p.Gly650Arg (NM_001127897.4, NM_001308334.3, NM_001330538.2); short protein forms G650R.
Identifiers: ClinVar variation 4991990 (VCV004991990.1).